The following is an entry in ClinVar:

NM_203446.3(SYNJ1):c.-31G>C

Gene: SYNJ1 (synaptojanin 1; minus strand). Cytogenetic location: 21q22.11.
Variant type: single nucleotide variant.
Coding change: c.-31G>C on transcript NM_203446.3 (MANE Select); 31 bases upstream of the start codon, G replaced by C.
Molecular consequence: 5 prime UTR variant. On other transcripts: synonymous variant (1).
Genome position (GRCh38, 1-based): chr21:32,727,954, C>G on the plus strand (G>C on the coding strand, the complement: SYNJ1 is on the minus strand). VCF-style: chr21-32727954-C-G. GRCh37 (hg19) VCF-style: chr21-34100265-C-G.
Other names: c.87G>C, p.Arg29= (NM_003895.4).
Identifiers: ClinVar variation 766465 (VCV000766465.36), dbSNP rs751083536, ClinGen allele CA10004250.
Genomic context (GRCh38, chr21:32,727,954, plus strand): 5'-CTGCCCGTGGGTCTGGCCGCAGCAGCTCCCCGCCCCCCGCCGGCTTGCTCACCTCTTCCT[C>G]CGGCTCCTCCTCCTCCTTCTCCCGCAGCCGCCGCCACAGCCGCCGGGAGCGTCACTTCCG-3'

ClinVar aggregate classification (germline): Likely benign. Review status: criteria provided, multiple submitters, no conflicts (2 of 4 stars). 3 submissions from 3 submitters: Likely benign (3). Last evaluated 2025-09-30.

Conditions:
Developmental and epileptic encephalopathy, 53. Also called: Epileptic encephalopathy, early infantile, 53. Identifiers: MedGen C4479313, MONDO:0033362, OMIM 617389.
Early-onset Parkinson disease 20. Also called: PARKINSON DISEASE 20, AUTOSOMAL RECESSIVE EARLY-ONSET. Identifiers: Orphanet 391411, MedGen C3809824, MONDO:0014233, OMIM 615530.

Allele frequency attached by ClinVar (database versions not stated): ExAC below 0.00001; gnomAD 0.00006 and 0.00007; TOPMed 0.00010.
gnomAD v4.1: 73 of 1,533,748 alleles (0.0048%); highest among the groups gnomAD compares: Middle Eastern, 0.038%; no homozygotes.

Submissions (3):

Labcorp Genetics (formerly Invitae), Labcorp
Classification: Likely benign for Developmental and epileptic encephalopathy, 53; Early-onset Parkinson disease 20. Last evaluated: 2025-09-30. Review status: criteria provided, single submitter. Criteria: Invitae Variant Classification Sherloc (09022015). Collection method: clinical testing. Allele origin: germline.

Blueprint Genetics
Classification: Likely benign. Last evaluated: 2024-11-28. Review status: criteria provided, single submitter. Criteria: ACMG Guidelines, 2015. Collection method: clinical testing. Allele origin: germline.

CeGaT Center for Human Genetics Tuebingen
Classification: Likely benign. Last evaluated: 2023-08-01. Review status: criteria provided, single submitter. Criteria: CeGaT Center For Human Genetics Tuebingen Variant Classification Criteria Version 2. Collection method: clinical testing. Allele origin: germline. Affected: yes. Observed: 1 variant allele.
Comment: SYNJ1: BP4, BP7